The following is an entry in ClinVar:

ClinVar aggregate classification (germline): Uncertain significance (1 of 4 stars; one submission).

Conditions:
Gorlin syndrome. Also called: Nevoid Basal Cell Carcinoma Syndrome; Basal cell nevus syndrome. Identifiers: Orphanet 377, MedGen C0004779, MONDO:0007187.

Submission:

Labcorp Genetics (formerly Invitae), Labcorp
Classification: Uncertain significance for Gorlin syndrome. Last evaluated: 2023-03-04. Review status: criteria provided, single submitter. Criteria: Invitae Variant Classification Sherloc (09022015). Collection method: clinical testing. Allele origin: germline.
Comment: In summary, the available evidence is currently insufficient to determine the role of this variant in disease. Therefore, it has been classified as a Variant of Uncertain Significance. This variant has not been reported in the literature in individuals affected with PTCH2-related conditions. Advanced modeling of protein sequence and biophysical properties (such as structural, functional, and spatial information, amino acid conservation, physicochemical variation, residue mobility, and thermodynamic stability) performed at Invitae indicates that this missense variant is not expected to disrupt PTCH2 protein function. This variant is not present in population databases (gnomAD no frequency). This sequence change replaces serine, which is neutral and polar, with leucine, which is neutral and non-polar, at codon 809 of the PTCH2 protein (p.Ser809Leu).

NM_003738.5(PTCH2):c.2426C>T (p.Ser809Leu)

Gene: PTCH2 (patched 2; minus strand). Cytogenetic location: 1p34.1.
Variant type: single nucleotide variant.
Coding change: c.2426C>T on transcript NM_003738.5 (MANE Select); coding-DNA position 2426, C replaced by T.
Protein change: p.Ser809Leu; replaces serine 809 with leucine.
Molecular consequence: missense variant.
Genome position (GRCh38, 1-based): chr1:44,827,255, G>A on the plus strand (C>T on the coding strand, the complement: PTCH2 is on the minus strand). VCF-style: chr1-44827255-G-A. GRCh37 (hg19) VCF-style: chr1-45292927-G-A.
Other names: c.2426C>T, p.Ser809Leu (NM_001166292.2); short protein forms S809L.
Identifiers: ClinVar variation 2718085 (VCV002718085.3), dbSNP rs758847507, ClinGen allele CA340095404.